The following is an entry in ClinVar:

NM_000257.4(MYH7):c.1000-1G>A

Gene: MYH7 (myosin heavy chain 7; minus strand). Cytogenetic location: 14q11.2.
Variant type: single nucleotide variant.
Coding change: c.1000-1G>A on transcript NM_000257.4 (MANE Select); the canonical splice acceptor site of the intron before coding-DNA position 1000, G replaced by A.
Molecular consequence: splice acceptor variant.
Genome position (GRCh38, 1-based): chr14:23,429,914, C>T on the plus strand (G>A on the coding strand, the complement: MYH7 is on the minus strand). VCF-style: chr14-23429914-C-T. GRCh37 (hg19) VCF-style: chr14-23899123-C-T.
Other names: c.1000-1G>A (NM_001407004.1).
Identifiers: ClinVar variation 637005 (VCV000637005.5), dbSNP rs113392527, ClinGen allele CA389051575.

ClinVar aggregate classification (germline): Uncertain significance. Review status: criteria provided, multiple submitters, no conflicts (2 of 4 stars). 3 submissions from 3 submitters: Uncertain significance (2). 1 of the submissions does not count toward it. Last evaluated 2025-10-28.

Conditions:
Left ventricular noncompaction. Identifiers: Orphanet 54260, MedGen C1960469, MONDO:0018901, HP:0030682.
Hypertrophic cardiomyopathy. Also called: HYPERTROPHIC MYOCARDIOPATHY. Identifiers: Orphanet 217569, MedGen C0007194, MeSH D002312, MONDO:0005045, HP:0001639.
Cardiomyopathy (CMYO). Also called: Cardiomyopathies. Identifiers: Orphanet 167848, MedGen C0878544, MONDO:0004994, HP:0001638. Inheritance: Various modes of inheritance.

Allele frequency attached by ClinVar (database versions not stated): gnomAD 0.00003 and 0.00001; gnomAD exomes below 0.00001; TOPMed 0.00001.
gnomAD v4.1: 2 of 1,613,906 alleles (0.00012%); highest among the groups gnomAD compares: Non-Finnish European, 0.00017%; no homozygotes.

Submissions (3):

Labcorp Genetics (formerly Invitae), Labcorp
Classification: Uncertain significance for Hypertrophic cardiomyopathy. Last evaluated: 2025-10-28. Review status: criteria provided, single submitter. Criteria: Invitae Variant Classification Sherloc (09022015). Collection method: clinical testing. Allele origin: germline.
Comment: This sequence change affects an acceptor splice site in intron 11 of the MYH7 gene. It is expected to disrupt RNA splicing. Variants that disrupt the donor or acceptor splice site typically lead to a loss of protein function (PMID: 16199547), however the current clinical and genetic evidence is not sufficient to establish whether loss-of-function variants in MYH7 cause disease. This variant is present in population databases (no rsID available, gnomAD 0.002%). Disruption of this splice site has been observed in individual(s) with hypertrophic cardiomyopathy who also carried a pathogenic MYH7 variant (PMID: 30924982). ClinVar contains an entry for this variant (Variation ID: 637005). Algorithms developed to predict the effect of sequence changes on RNA splicing suggest that this variant may disrupt the consensus splice site. In summary, the available evidence is currently insufficient to determine the role of this variant in disease. Therefore, it has been classified as a Variant of Uncertain Significance.

All of Us Research Program, National Institutes of Health
Classification: Uncertain significance for Cardiomyopathy. Last evaluated: 2023-10-23. Review status: criteria provided, single submitter. Criteria: ACMG Guidelines, 2015. Collection method: clinical testing. Allele origin: germline. Inheritance: Autosomal dominant inheritance. Observed: 2 variant alleles, 2 heterozygotes.
Comment: This variant causes a G to A nucleotide substitution at the -1 position of intron 11 of the MYH7 gene. Splice site prediction tools predict that this variant may have a significant impact on RNA splicing. Although this prediction has not been confirmed in published RNA studies, this variant is expected to result in an absent or disrupted protein product. To our knowledge, functional studies have not been reported for this variant. This variant has been reported in an individual affected with hypertrophic cardiomyopathy and left ventricular noncompaction (PMID: 30924982, 32659924); this individual also carried the pathogenic p.Arg403Trp variant in the MYH7 gene. The c.1000-1G>A variant was also detected in this individual's clinically unaffected parent. Clinical relevance of loss-of-function MYH7 truncation variants in autosomal dominant cardiovascular disorders is not clearly established. This variant has been identified in 2/282754 chromosomes in the general population by the Genome Aggregation Database (gnomAD). The available evidence is insufficient to determine the role of this variant in disease conclusively. Therefore, this variant is classified as a Variant of Uncertain Significance.

This study involves interpretation of variants in research participants for the purpose of population health screening. Participant phenotype was not available at the time of variant classification. Additional details can be found in publication PMID: 35346344, PMCID: PMC8962531

Institute of Human Genetics, University of Wuerzburg
Classification: Likely pathogenic for Left ventricular noncompaction. Review status: no assertion criteria provided. Collection method: clinical testing. Allele origin: unknown. Not counted in ClinVar's aggregate classification.

Literature cited by the submitters: PubMed 16199547 (cited by Labcorp Genetics (formerly Invitae), Labcorp); PubMed 30924982 (cited by Labcorp Genetics (formerly Invitae), Labcorp and All of Us Research Program, National Institutes of Health); PubMed 32659924 (cited by All of Us Research Program, National Institutes of Health).